The following is an entry in ClinVar:

ClinVar aggregate classification (germline): Pathogenic/Likely pathogenic. Review status: criteria provided, multiple submitters, no conflicts (2 of 4 stars). 3 submissions from 3 submitters: Pathogenic (2); Likely pathogenic (1). Last evaluated 2022-03-07.

Conditions:
Peutz-Jeghers syndrome (PJS). Also called: Peutz-Jeghers polyposis; Periorificial lentiginosis syndrome; POLYPOSIS, HAMARTOMATOUS INTESTINAL; POLYPS-AND-SPOTS SYNDROME. Identifiers: Orphanet 2869, MedGen C0031269, MeSH D010580, MONDO:0008280, OMIM 175200.

Submissions (3):

Labcorp Genetics (formerly Invitae), Labcorp
Classification: Pathogenic for Peutz-Jeghers syndrome. Last evaluated: 2022-03-07. Review status: criteria provided, single submitter. Criteria: Invitae Variant Classification Sherloc (09022015). Collection method: clinical testing. Allele origin: germline.
Comment: For these reasons, this variant has been classified as Pathogenic. Algorithms developed to predict the effect of sequence changes on RNA splicing suggest that this variant may create or strengthen a splice site. ClinVar contains an entry for this variant (Variation ID: 439304). This variant has not been reported in the literature in individuals affected with STK11-related conditions. This variant is not present in population databases (gnomAD no frequency). This sequence change creates a premature translational stop signal (p.Leu67Trpfs*29) in the STK11 gene. It is expected to result in an absent or disrupted protein product. Loss-of-function variants in STK11 are known to be pathogenic (PMID: 15188174, 16287113).

Genome-Nilou Lab
Classification: Pathogenic for Peutz-Jeghers syndrome. Last evaluated: 2021-07-15. Review status: criteria provided, single submitter. Criteria: ACMG Guidelines, 2015. Collection method: clinical testing. Allele origin: germline. Affected: no.

Quest Diagnostics Nichols Institute San Juan Capistrano
Classification: Likely pathogenic. Last evaluated: 2016-08-25. Review status: criteria provided, single submitter. Criteria: Quest Diagnostics criteria. Collection method: clinical testing. Allele origin: germline.

Literature cited by the submitters: PubMed 15188174 (cited by Labcorp Genetics (formerly Invitae), Labcorp); PubMed 16287113 (cited by Labcorp Genetics (formerly Invitae), Labcorp).

NM_000455.5(STK11):c.199del (p.Leu67fs)

Gene: STK11 (serine/threonine kinase 11; plus strand). Cytogenetic location: 19p13.3.
Variant type: Deletion.
Coding change: c.199del on transcript NM_000455.5 (MANE Select); coding-DNA position 199, one base deleted (C; older notation c.199delC).
Protein change: p.Leu67fs; shifts the reading frame from leucine 67.
Molecular consequence: frameshift variant.
Genome position (GRCh38, 1-based): chr19:1,207,112, C deleted. VCF-style (leftmost placement, unchanged base first): chr19-1207111-GC-G. GRCh37 (hg19) VCF-style: chr19-1207110-GC-G.
Other names: c.199delC (NM_000455.4).
Identifiers: ClinVar variation 439304 (VCV000439304.12), dbSNP rs1555735014, ClinGen allele CA645509244.